The following is an entry in ClinVar:

NM_019892.6(INPP5E):c.392C>T (p.Pro131Leu)

Gene: INPP5E (inositol polyphosphate-5-phosphatase E; minus strand). Cytogenetic location: 9q34.3.
Variant type: single nucleotide variant.
Coding change: c.392C>T on transcript NM_019892.6 (MANE Select); coding-DNA position 392, C replaced by T.
Protein change: p.Pro131Leu; replaces proline 131 with leucine.
Molecular consequence: missense variant.
Genome position (GRCh38, 1-based): chr9:136,439,028, G>A on the plus strand (C>T on the coding strand, the complement: INPP5E is on the minus strand). VCF-style: chr9-136439028-G-A. GRCh37 (hg19) VCF-style: chr9-139333480-G-A.
Other names: c.392C>T (NM_019892.4); c.392C>T, p.Pro131Leu (NM_001318502.2); short protein forms P131L.
Identifiers: ClinVar variation 1043865 (VCV001043865.10), dbSNP rs756921162, ClinGen allele CA5337162.

ClinVar aggregate classification (germline): Uncertain significance. Review status: criteria provided, multiple submitters, no conflicts (2 of 4 stars). 4 submissions from 4 submitters: Uncertain significance (4). Last evaluated 2025-10-15.

Conditions:
Joubert syndrome. Also called: Familial aplasia of the vermis; JOUBERT-BOLTSHAUSER SYNDROME. Identifiers: Orphanet 475, MedGen C5979921, MONDO:0018772.
Inborn genetic diseases. Identifiers: MedGen C0950123, MeSH D030342.

Allele frequency attached by ClinVar (database versions not stated): ExAC below 0.00001; gnomAD exomes 0.00001 and 0.00002; gnomAD 0.00006; TOPMed 0.00006.

Submissions (4):

Ambry Genetics
Classification: Uncertain significance for Inborn genetic diseases. Last evaluated: 2025-10-15. Review status: criteria provided, single submitter. Criteria: Ambry Variant Classification Scheme 2023. Collection method: clinical testing. Allele origin: germline.

Genetic Services Laboratory, University of Chicago
Classification: Uncertain significance. Last evaluated: 2023-02-23. Review status: criteria provided, single submitter. Criteria: ACMG Guidelines, 2015. Collection method: clinical testing. Allele origin: germline. Affected: no.
Comment: DNA sequence analysis of the INPP5E gene demonstrated a sequence change, c.392C>T, in exon 1 that results in an amino acid change, p.Pro131Leu. This sequence change has been described in the gnomAD database with a frequency of 0.021% in the African/African American subpopulation (dbSNP rs756921162). The p.Pro131Leu change affects a poorly conserved amino acid residue located in a domain of the INPP5E protein that is not known to be functional. The p.Pro131Leu substitution appears to be benign using several in-silico pathogenicity prediction tools (SIFT, PolyPhen2, Align GVGD, REVEL). This sequence change does not appear to have been previously described in individuals with INPP5E-related disorders. Due to insufficient evidence and the lack of functional studies, the clinical significance of the p.Pro131Leu change remains unknown at this time.

Labcorp Genetics (formerly Invitae), Labcorp
Classification: Uncertain significance for Joubert syndrome. Last evaluated: 2022-10-04. Review status: criteria provided, single submitter. Criteria: Invitae Variant Classification Sherloc (09022015). Collection method: clinical testing. Allele origin: germline.
Comment: This sequence change replaces proline, which is neutral and non-polar, with leucine, which is neutral and non-polar, at codon 131 of the INPP5E protein (p.Pro131Leu). The frequency data for this variant in the population databases is considered unreliable, as metrics indicate poor data quality at this position in the gnomAD database. This variant has not been reported in the literature in individuals affected with INPP5E-related conditions. ClinVar contains an entry for this variant (Variation ID: 1043865). Algorithms developed to predict the effect of missense changes on protein structure and function (SIFT, PolyPhen-2, Align-GVGD) all suggest that this variant is likely to be tolerated. In summary, the available evidence is currently insufficient to determine the role of this variant in disease. Therefore, it has been classified as a Variant of Uncertain Significance.

Blueprint Genetics
Classification: Uncertain significance. Last evaluated: 2022-06-28. Review status: criteria provided, single submitter. Criteria: ACMG Guidelines, 2015. Collection method: clinical testing. Allele origin: germline.